The following is an entry in ClinVar:

NM_000321.3(RB1):c.539+3A>G

Gene: RB1 (RB transcriptional corepressor 1; plus strand). Cytogenetic location: 13q14.2.
Variant type: single nucleotide variant.
Coding change: c.539+3A>G on transcript NM_000321.3 (MANE Select); 3 bases into the intron after coding-DNA position 539, A replaced by G.
Molecular consequence: intron variant.
Genome position (GRCh38, 1-based): chr13:48,347,866, A>G. VCF-style: chr13-48347866-A-G. GRCh37 (hg19) VCF-style: chr13-48922002-A-G.
Other names: c.539+3A>G (NM_000321.2).
Identifiers: ClinVar variation 2149034 (VCV002149034.5), dbSNP rs2542163790, ClinGen allele CA2580088116.

ClinVar aggregate classification (germline): Uncertain significance. Review status: criteria provided, multiple submitters, no conflicts (2 of 4 stars). 2 submissions from 2 submitters: Uncertain significance (2). Last evaluated 2025-04-07.

Conditions:
Hereditary cancer-predisposing syndrome. Also called: Tumor predisposition; Hereditary neoplastic syndrome; Hereditary Cancer Syndrome; Neoplastic Syndromes, Hereditary. Identifiers: Orphanet 140162, MedGen C0027672, MeSH D009386, MONDO:0015356.
Retinoblastoma (RB1). Also called: RETINOBLASTOMA, SOMATIC. Identifiers: Orphanet 790, MedGen C0035335, MeSH D012175, MONDO:0008380, OMIM 180200, HP:0009919. Disease mechanism: loss of function. Inheritance: Both sporadic and heritable forms are tested..

Allele frequency attached by ClinVar (database versions not stated): gnomAD exomes below 0.00001.
gnomAD v4.1: 2 of 1,581,336 alleles (0.00013%); highest among the groups gnomAD compares: Non-Finnish European, 0.00017%; no homozygotes.

Submissions (2):

Labcorp Genetics (formerly Invitae), Labcorp
Classification: Uncertain significance for Retinoblastoma. Last evaluated: 2025-04-07. Review status: criteria provided, single submitter. Criteria: Invitae Variant Classification Sherloc (09022015). Collection method: clinical testing. Allele origin: germline.
Comment: This sequence change falls in intron 5 of the RB1 gene. It does not directly change the encoded amino acid sequence of the RB1 protein. It affects a nucleotide within the consensus splice site. This variant is not present in population databases (gnomAD no frequency). This variant has not been reported in the literature in individuals affected with RB1-related conditions. ClinVar contains an entry for this variant (Variation ID: 2149034). Variants that disrupt the consensus splice site are a relatively common cause of aberrant splicing (PMID: 17576681, 9536098). Algorithms developed to predict the effect of sequence changes on RNA splicing suggest that this variant may disrupt the consensus splice site. In summary, the available evidence is currently insufficient to determine the role of this variant in disease. Therefore, it has been classified as a Variant of Uncertain Significance.

Ambry Genetics
Classification: Uncertain significance for Hereditary cancer-predisposing syndrome. Last evaluated: 2024-04-24. Review status: criteria provided, single submitter. Criteria: Ambry Variant Classification Scheme 2023. Collection method: clinical testing. Allele origin: germline.
Comment: The c.539+3A>G intronic variant results from an A to G substitution 3 nucleotides after coding exon 5 in the RB1 gene. This nucleotide position is highly conserved in available vertebrate species. In silico splice site analysis predicts that this alteration will not have any significant effect on splicing. Based on the available evidence, the clinical significance of this variant remains unclear.

Literature cited by the submitters: PubMed 17576681 (cited by Labcorp Genetics (formerly Invitae), Labcorp); PubMed 9536098 (cited by Labcorp Genetics (formerly Invitae), Labcorp).